The following is an entry in ClinVar:

ClinVar aggregate classification (germline): Uncertain significance. Review status: criteria provided, multiple submitters, no conflicts (2 of 4 stars). 3 submissions from 3 submitters: Uncertain significance (3). Last evaluated 2025-06-05.

Conditions:
Hereditary cancer-predisposing syndrome. Also called: Neoplastic Syndromes, Hereditary; Tumor predisposition; Hereditary neoplastic syndrome; Hereditary Cancer Syndrome. Identifiers: Orphanet 140162, MedGen C0027672, MeSH D009386, MONDO:0015356.
Melanoma, cutaneous malignant, susceptibility to, 1 (CMM1). Also called: MELANOMA, MALIGNANT; DYSPLASTIC NEVUS SYNDROME, HEREDITARY; FAMILIAL ATYPICAL MOLE-MALIGNANT MELANOMA SYNDROME; B-K MOLE SYNDROME. Identifiers: Orphanet 618, MedGen C1835047, MONDO:0007963, OMIM 155600.
Peutz-Jeghers syndrome (PJS). Also called: POLYPOSIS, HAMARTOMATOUS INTESTINAL; POLYPS-AND-SPOTS SYNDROME; Peutz-Jeghers polyposis; Periorificial lentiginosis syndrome. Identifiers: Orphanet 2869, MedGen C0031269, MeSH D010580, MONDO:0008280, OMIM 175200.

Submissions (3):

Ambry Genetics
Classification: Uncertain significance for Hereditary cancer-predisposing syndrome. Last evaluated: 2025-06-05. Review status: criteria provided, single submitter. Criteria: Ambry Variant Classification Scheme 2023. Collection method: clinical testing. Allele origin: germline.
Comment: The p.P294S variant (also known as c.880C>T), located in coding exon 7 of the STK11 gene, results from a C to T substitution at nucleotide position 880. The proline at codon 294 is replaced by serine, an amino acid with similar properties. This amino acid position is conserved. In addition, this alteration is predicted to be deleterious by in silico analysis. Since supporting evidence is limited at this time, the clinical significance of this alteration remains unclear.

Labcorp Genetics (formerly Invitae), Labcorp
Classification: Uncertain significance for Peutz-Jeghers syndrome. Last evaluated: 2024-07-08. Review status: criteria provided, single submitter. Criteria: Invitae Variant Classification Sherloc (09022015). Collection method: clinical testing. Allele origin: germline.
Comment: This sequence change replaces proline, which is neutral and non-polar, with serine, which is neutral and polar, at codon 294 of the STK11 protein (p.Pro294Ser). This variant is not present in population databases (gnomAD no frequency). This variant has not been reported in the literature in individuals affected with STK11-related conditions. ClinVar contains an entry for this variant (Variation ID: 1764749). Advanced modeling of protein sequence and biophysical properties (such as structural, functional, and spatial information, amino acid conservation, physicochemical variation, residue mobility, and thermodynamic stability) performed at Invitae indicates that this missense variant is expected to disrupt STK11 protein function with a positive predictive value of 80%. In summary, the available evidence is currently insufficient to determine the role of this variant in disease. Therefore, it has been classified as a Variant of Uncertain Significance.

Baylor Genetics
Classification: Uncertain significance for Melanoma, cutaneous malignant, susceptibility to, 1. Last evaluated: 2023-10-30. Review status: criteria provided, single submitter. Criteria: ACMG Guidelines, 2015. Collection method: clinical testing. Allele origin: unknown.

NM_000455.5(STK11):c.880C>T (p.Pro294Ser)

Gene: STK11 (serine/threonine kinase 11; plus strand). Cytogenetic location: 19p13.3.
Variant type: single nucleotide variant.
Coding change: c.880C>T on transcript NM_000455.5 (MANE Select); coding-DNA position 880, C replaced by T.
Protein change: p.Pro294Ser; replaces proline 294 with serine.
Molecular consequence: missense variant.
Genome position (GRCh38, 1-based): chr19:1,221,966, C>T. VCF-style: chr19-1221966-C-T. GRCh37 (hg19) VCF-style: chr19-1221965-C-T.
Other names: c.880C>T, p.Pro294Ser (NM_001407255.1); short protein forms P294S.
Identifiers: ClinVar variation 1764749 (VCV001764749.7), dbSNP rs2145428687, ClinGen allele CA402951206.